The following is an entry in ClinVar:

NM_139276.3(STAT3):c.*1316A>G

Gene: STAT3 (signal transducer and activator of transcription 3; minus strand). Cytogenetic location: 17q21.2.
Variant type: single nucleotide variant.
Coding change: c.*1316A>G on transcript NM_139276.3 (MANE Select); 1316 bases downstream of the stop codon, A replaced by G.
Molecular consequence: 3 prime UTR variant.
Genome position (GRCh38, 1-based): chr17:42,314,429, T>C on the plus strand (A>G on the coding strand, the complement: STAT3 is on the minus strand). VCF-style: chr17-42314429-T-C. GRCh37 (hg19) VCF-style: chr17-40466447-T-C.
Other names: c.*1316A>G (NM_001369512.1, NM_001369513.1, NM_001369514.1 and 10 more transcripts); c.*1410A>G (NM_001369517.1, NM_001369518.1, NM_001369519.1 and 4 more transcripts).
Identifiers: ClinVar variation 323224 (VCV000323224.5), dbSNP rs552123985, ClinGen allele CA10639635.

ClinVar aggregate classification (germline): Benign (1 of 4 stars; one submission).

Conditions:
Hyper-IgE recurrent infection syndrome 1, autosomal dominant. Also called: HYPER-IgE SYNDROME 1, AUTOSOMAL DOMINANT, WITH RECURRENT INFECTIONS; JOB SYNDROME; Job's Syndrome; STAT3 Hyper IgE Syndrome; Hyper-IgE recurrent infection syndrome 1. Identifiers: Orphanet 2314, MedGen C2936739, MONDO:0007818, OMIM 147060.

Allele frequency attached by ClinVar (database versions not stated): gnomAD exomes 0.00010; gnomAD 0.00033; TOPMed 0.00054; 1000 Genomes Project 0.00060; 1000 Genomes Project 30x 0.00094.
gnomAD v4.1: 62 of 230,770 alleles (0.027%); highest among the groups gnomAD compares: Admixed American, 0.25%; no homozygotes.

Submission:

Illumina Laboratory Services, Illumina
Classification: Benign for Hyper-IgE recurrent infection syndrome 1, autosomal dominant. Last evaluated: 2018-01-12. Review status: criteria provided, single submitter. Criteria: ICSL Variant Classification Criteria 13 December 2019. Collection method: clinical testing. Allele origin: germline.
Comment: This variant was observed in the ICSL laboratory as part of a predisposition screen in an ostensibly healthy population. It had not been previously curated by ICSL or reported in the Human Gene Mutation Database (HGMD: prior to June 1st, 2018), and was therefore a candidate for classification through an automated scoring system. Utilizing variant allele frequency, disease prevalence and penetrance estimates, and inheritance mode, an automated score was calculated to assess if this variant is too frequent to cause the disease. Based on the score and internal cut-off values, a variant classified as benign is not then subjected to further curation. The score for this variant resulted in a classification of benign for this disease.